The following is an entry in ClinVar:

ClinVar aggregate classification (germline): Pathogenic. Review status: criteria provided, multiple submitters, no conflicts (2 of 4 stars). 3 submissions from 3 submitters: Pathogenic (2). 1 of the submissions does not count toward it. Last evaluated 2026-06-08.

Conditions:
Mucolipidosis type II. Also called: Mucolipidosis 2; ML 2; Inclusion cell disease; Leroy Disease; N-acetylglucosamine 1phosphotransferase deficiency; ML disorder type 2. Identifiers: Orphanet 576, MedGen C2673377, MONDO:0009650, OMIM 252500.

Submissions (3):

Department of Molecular Genetics, Istishari Arab Hospital
Classification: Pathogenic for Mucolipidosis type II. Last evaluated: 2026-06-08. Review status: criteria provided, single submitter. Criteria: ACMG Guidelines, 2015. Collection method: clinical testing. Allele origin: germline. Inheritance: Autosomal recessive inheritance. Affected: yes.
Comment: The GNPTAB variant c.3231_3234dup p.(Tyr1079Leufs*3) creates a shift in the reading frame starting at codon 1079. The new reading frame ends in a stop codon 2 positions downstream. According to HGMD Professional 2022.4, this variant has previously been described as disease-causing for Mucolipidosis II by Kudo et al., 2006 (PMID: 16465621), and Bell et al., 2011 (PMID: 21228398). It is classified as pathogenic according to the recommendations of ACMG/AMP/ClinGen SVI guidelines.

Revvity Omics, Revvity
Classification: Pathogenic. Last evaluated: 2024-08-23. Review status: criteria provided, single submitter. Criteria: ACMG Guidelines, 2015. Collection method: clinical testing. Allele origin: germline.

GeneReviews
Classification: Pathogenic for Mucolipidosis III Alpha/Beta. Last evaluated: 2012-05-10. Review status: no assertion criteria provided. Collection method: curation. Allele origin: unknown. Not counted in ClinVar's aggregate classification.
ClinVar note: Converted during submission from pathologic to Pathogenic.

Literature cited by the submitters: PubMed 16465621 (cited by Department of Molecular Genetics, Istishari Arab Hospital); PubMed 21228398 (cited by Department of Molecular Genetics, Istishari Arab Hospital).

NM_024312.5(GNPTAB):c.3231_3234dup (p.Tyr1079fs)

Gene: GNPTAB (N-acetylglucosamine-1-phosphate transferase subunits alpha and beta; minus strand). Cytogenetic location: 12q23.2.
Variant type: Duplication.
Coding change: c.3231_3234dup on transcript NM_024312.5 (MANE Select); coding-DNA positions 3231 to 3234, 4 bases duplicated (CTAC; older notation c.3231_3234dupCTAC).
Protein change: p.Tyr1079fs; shifts the reading frame from tyrosine 1079.
Molecular consequence: frameshift variant.
Genome position (GRCh38, 1-based): chr12:101,760,045-101,760,048, GTAG duplicated on the plus strand (CTAC on the coding strand, the reverse complement: GNPTAB is on the minus strand); duplicating any 4 consecutive bases within chr12:101,760,045-101,760,049 gives the same sequence; the c. name uses the placement nearest the transcript's 3' end. VCF-style (leftmost placement, unchanged base first): chr12-101760044-A-AGTAG. GRCh37 (hg19) VCF-style: chr12-102153822-A-AGTAG.
Other names: p.(Tyr1079Leufs*3); AY687932:c.3231_3234dupCTAC; c.3231_3234dup (NM_024312.4); short protein forms Y1079fs.
Identifiers: ClinVar variation 38423 (VCV000038423.5), dbSNP rs34256381, ClinGen allele CA343075.
Genomic context (GRCh38, chr12:101,760,044, plus strand): 5'-AAGGATGTACTTTCTGTTGTACATAAAAGTAACCCATTCCACTTACCAGGTTGGGATCAT[A>AGTAG]GTAGGATTCCTGAGTTGGTGGAATATTATTTAGCTGCGTGATATCAGCAGGAAGCATTTT-3'